The following is an entry in ClinVar:

NM_032237.5(POMK):c.43C>T (p.Arg15Ter)

Gene: POMK (protein O-mannose kinase; plus strand). Cytogenetic location: 8p11.21.
Variant type: single nucleotide variant.
Coding change: c.43C>T on transcript NM_032237.5 (MANE Select); coding-DNA position 43, C replaced by T.
Protein change: p.Arg15Ter; replaces arginine 15 with a stop codon.
Molecular consequence: nonsense.
Genome position (GRCh38, 1-based): chr8:43,103,591, C>T. VCF-style: chr8-43103591-C-T. GRCh37 (hg19) VCF-style: chr8-42958734-C-T.
Other names: c.43C>T, p.Arg15Ter (NM_001277971.2); short protein forms R15*.
Identifiers: ClinVar variation 1076046 (VCV001076046.6), dbSNP rs774013796, ClinGen allele CA4736177.
Genomic context (GRCh38, chr8:43,103,591, plus strand): 5'-ATTGCAGAGGCCGTCAACATGGAAAAGCAGCCCCAGAACAGCAGGAGAGGCCTCGCCCCC[C>T]GAGAGGTGCCGCCAGCTGTTGGGCTGCTGCTGATCATGGCCCTGATGAATACTCTGCTCT-3'

ClinVar aggregate classification (germline): Pathogenic. Review status: criteria provided, multiple submitters, no conflicts (2 of 4 stars). 2 submissions from 2 submitters: Pathogenic (2). Last evaluated 2024-12-23.

Conditions:
Muscular dystrophy-dystroglycanopathy (congenital with brain and eye anomalies), type a, 12 (MDDGA12). Also called: WALKER-WARBURG SYNDROME OR MUSCLE-EYE-BRAIN DISEASE, POMK-RELATED. Identifiers: Orphanet 899, MedGen C3808964, MONDO:0014101, OMIM 615249.
Limb-girdle muscular dystrophy due to POMK deficiency. Also called: Muscular dystrophy-dystroglycanopathy (limb-girdle), type c, 12; MUSCULAR DYSTROPHY-DYSTROGLYCANOPATHY, LIMB-GIRDLE, POMK-RELATED. Identifiers: Orphanet 445110, MedGen C4015184, MONDO:0014489, OMIM 616094.

Allele frequency attached by ClinVar (database versions not stated): gnomAD 0.00001; TOPMed 0.00002.
gnomAD v4.1: 18 of 1,614,042 alleles (0.0011%); highest among the groups gnomAD compares: Middle Eastern, 0.016%; no homozygotes.

Submissions (2):

Labcorp Genetics (formerly Invitae), Labcorp
Classification: Pathogenic for Muscular dystrophy-dystroglycanopathy (congenital with brain and eye anomalies), type a, 12; Limb-girdle muscular dystrophy due to POMK deficiency. Last evaluated: 2024-12-23. Review status: criteria provided, single submitter. Criteria: Invitae Variant Classification Sherloc (09022015). Collection method: clinical testing. Allele origin: germline.
Comment: This sequence change creates a premature translational stop signal (p.Arg15*) in the POMK gene. It is expected to result in an absent or disrupted protein product. Loss-of-function variants in POMK are known to be pathogenic (PMID: 24925318). This variant is present in population databases (rs774013796, gnomAD 0.004%). This variant has not been reported in the literature in individuals affected with POMK-related conditions. ClinVar contains an entry for this variant (Variation ID: 1076046). For these reasons, this variant has been classified as Pathogenic.

Illumina Laboratory Services, Illumina
Classification: Pathogenic for Muscular dystrophy-dystroglycanopathy (congenital with brain and eye anomalies), type a, 12. Last evaluated: 2017-04-28. Review status: criteria provided, single submitter. Criteria: ICSLVariantClassificationCriteria RUGD 01 April 2020. Collection method: clinical testing. Allele origin: unknown.
Comment: The POMK c.43C>T p.(Arg15Ter) nonsense variant is expected to result in the loss of normal protein function through either protein truncation or nonsense-mediated mRNA decay. To our knowledge, this variant has not been reported in the peer-reviewed literature. This variant is reported in the Genome Aggregation Database in one allele at a frequency of 0.000138 in the Remaining population (version 2.1.1). Based on the available evidence, the c.43C>T p.(Arg15Ter) variant is classified as pathogenic for Walker-Warburg syndrome

Literature cited by the submitters: PubMed 24925318 (cited by Labcorp Genetics (formerly Invitae), Labcorp).